The following is an entry in ClinVar:

ClinVar aggregate classification (germline): Uncertain significance (1 of 4 stars; one submission).

Conditions:
Norman-Roberts syndrome (LIS2). Also called: Lissencephaly 2 (Norman-Roberts type). Identifiers: Orphanet 89844, MedGen C0796089, MONDO:0009760, OMIM 257320.
Familial temporal lobe epilepsy 7. Identifiers: Orphanet 101046, MedGen C4225327, MONDO:0014639, OMIM 616436.

Allele frequency attached by ClinVar (database versions not stated): ExAC 0.00001; TOPMed 0.00001; gnomAD 0.00002; gnomAD exomes 0.00002.
gnomAD v4.1: 38 of 1,613,930 alleles (0.0024%); highest among the groups gnomAD compares: Non-Finnish European, 0.0012%; no homozygotes.

Submission:

Labcorp Genetics (formerly Invitae), Labcorp
Classification: Uncertain significance for Familial temporal lobe epilepsy 7; Norman-Roberts syndrome. Last evaluated: 2025-05-30. Review status: criteria provided, single submitter. Criteria: Invitae Variant Classification Sherloc (09022015). Collection method: clinical testing. Allele origin: germline.
Comment: This sequence change falls in intron 4 of the RELN gene. It does not directly change the encoded amino acid sequence of the RELN protein. It affects a nucleotide within the consensus splice site. This variant is present in population databases (rs777453129, gnomAD 0.03%). This variant has not been reported in the literature in individuals affected with RELN-related conditions. ClinVar contains an entry for this variant (Variation ID: 2936793). Variants that disrupt the consensus splice site are a relatively common cause of aberrant splicing (PMID: 17576681, 9536098). Algorithms developed to predict the effect of sequence changes on RNA splicing suggest that this variant is not likely to affect RNA splicing. In summary, the available evidence is currently insufficient to determine the role of this variant in disease. Therefore, it has been classified as a Variant of Uncertain Significance.

Literature cited by the submitters: PubMed 17576681; PubMed 9536098.

NM_005045.4(RELN):c.544+5G>A

Gene: RELN (reelin; minus strand). Cytogenetic location: 7q22.1.
Variant type: single nucleotide variant.
Coding change: c.544+5G>A on transcript NM_005045.4 (MANE Select); 5 bases into the intron after coding-DNA position 544, G replaced by A.
Molecular consequence: intron variant.
Genome position (GRCh38, 1-based): chr7:103,776,552, C>T on the plus strand (G>A on the coding strand, the complement: RELN is on the minus strand). VCF-style: chr7-103776552-C-T. GRCh37 (hg19) VCF-style: chr7-103416999-C-T.
Other names: c.544+5G>A (NM_173054.3).
Identifiers: ClinVar variation 2936793 (VCV002936793.3), dbSNP rs777453129, ClinGen allele CA4422562.
Genomic context (GRCh38, chr7:103,776,552, plus strand): 5'-ATAGAACACAGGACCTACCATGAATAGTTTGGACATAACACAAACAAATCAAATGTGACG[C>T]TTACCTCCTTGTTCACACAACTGCTGGGCTAAAGCATCTTTGAAAATAACCTGGCCCCGG-3'